The following is an entry in ClinVar:

ClinVar aggregate classification (germline): Uncertain significance (1 of 4 stars; one submission).

Conditions:
Baller-Gerold syndrome (BGS). Also called: CRANIOSYNOSTOSIS WITH RADIAL DEFECTS. Identifiers: Orphanet 1225, MedGen C0265308, MONDO:0009039, OMIM 218600.

Allele frequency attached by ClinVar (database versions not stated): ExAC 0.00001.
gnomAD v4.1: 3 of 1,610,012 alleles (0.00019%); highest among the groups gnomAD compares: South Asian, 0.0022%; no homozygotes.

Submission:

Labcorp Genetics (formerly Invitae), Labcorp
Classification: Uncertain significance for Baller-Gerold syndrome. Last evaluated: 2024-04-05. Review status: criteria provided, single submitter. Criteria: Invitae Variant Classification Sherloc (09022015). Collection method: clinical testing. Allele origin: germline.
Comment: This sequence change replaces glycine, which is neutral and non-polar, with aspartic acid, which is acidic and polar, at codon 734 of the RECQL4 protein (p.Gly734Asp). This variant is present in population databases (rs765378620, gnomAD 0.007%). This variant has not been reported in the literature in individuals affected with RECQL4-related conditions. Experimental studies and prediction algorithms are not available or were not evaluated, and the functional significance of this variant is currently unknown. Algorithms developed to predict the effect of sequence changes on RNA splicing suggest that this variant may disrupt the consensus splice site. In summary, the available evidence is currently insufficient to determine the role of this variant in disease. Therefore, it has been classified as a Variant of Uncertain Significance.

NM_004260.4(RECQL4):c.2201G>A (p.Gly734Asp)

Gene: RECQL4 (RecQ like helicase 4; minus strand). Cytogenetic location: 8q24.3.
Variant type: single nucleotide variant.
Coding change: c.2201G>A on transcript NM_004260.4 (MANE Select); coding-DNA position 2201, G replaced by A.
Protein change: p.Gly734Asp; replaces glycine 734 with aspartic acid.
Molecular consequence: missense variant. On other transcripts: non-coding transcript variant (3).
Genome position (GRCh38, 1-based): chr8:144,513,480, C>T on the plus strand (G>A on the coding strand, the complement: RECQL4 is on the minus strand). VCF-style: chr8-144513480-C-T. GRCh37 (hg19) VCF-style: chr8-145738864-C-T.
Other names: c.2105G>A, p.Gly702Asp (NM_001413017.1, NM_001413020.1); c.2201G>A, p.Gly734Asp (NM_001413018.1, NM_001413019.1, NM_001413036.1); c.1130G>A, p.Gly377Asp (NM_001413021.1, NM_001413022.1, NM_001413023.1 and 6 more transcripts); c.2072G>A, p.Gly691Asp (NM_001413025.1); c.1064G>A, p.Gly355Asp (NM_001413027.1, NM_001413041.1, NM_001413030.1 and 1 more transcripts); c.2171G>A, p.Gly724Asp (NM_001413039.1); c.1100G>A, p.Gly367Asp (NM_001413042.1); c.734G>A, p.Gly245Asp (NM_001413043.1); and 4 more; short protein forms G367D, G691D, G724D, G617D, G355D, G377D, G690D, G734D.
Identifiers: ClinVar variation 2984050 (VCV002984050.2), dbSNP rs765378620, ClinGen allele CA4948386.